The following is an entry in ClinVar:

ClinVar aggregate classification (germline): Likely benign (1 of 4 stars; one submission).

Allele frequency attached by ClinVar (database versions not stated): gnomAD 0.00050; ExAC 0.00138.

Submission:

CeGaT Center for Human Genetics Tuebingen
Classification: Likely benign. Last evaluated: 2023-03-01. Review status: criteria provided, single submitter. Criteria: CeGaT Center For Human Genetics Tuebingen Variant Classification Criteria Version 2. Collection method: clinical testing. Allele origin: germline. Affected: yes. Observed: 1 variant allele.
Comment: MUC12: BP4, BP7

NM_001164462.2(MUC12):c.537G>A (p.Ala179=)

Gene: MUC12 (mucin 12, cell surface associated; plus strand). Cytogenetic location: 7q22.1.
Variant type: single nucleotide variant.
Coding change: c.537G>A on transcript NM_001164462.2 (MANE Select); coding-DNA position 537, G replaced by A.
Protein change: p.Ala179=; no amino-acid change (alanine 179 retained).
Molecular consequence: synonymous variant.
Genome position (GRCh38, 1-based): chr7:100,991,100, G>A. VCF-style: chr7-100991100-G-A. GRCh37 (hg19) VCF-style: chr7-100634381-G-A.
Identifiers: ClinVar variation 2657796 (VCV002657796.24), dbSNP rs774018507, ClinGen allele CA4398867.
Genomic context (GRCh38, chr7:100,991,100, plus strand): 5'-AGGCGTCAGTGAAAAATCAACCACCTCCCACAGCCGACCAGGCCCAACGCACACAATAGC[G>A]TTCCCTGACAGTACCACCATGCCAGGCGTCAGTCAGGAATCTACAGCTTCCCACAGCATC-3'
Protein context (NP_001157934.1, residues 169-189): HSRPGPTHTI[Ala179=]FPDSTTMPGV